The following is an entry in ClinVar:

ClinVar aggregate classification (germline): Benign. Review status: criteria provided, multiple submitters, no conflicts (2 of 4 stars). 2 submissions from 2 submitters: Benign (2). Last evaluated 2018-06-15.

Allele frequency attached by ClinVar (database versions not stated): 1000 Genomes Project 30x 0.06512; 1000 Genomes Project 0.06609; gnomAD 0.07202 and 0.07266; TOPMed 0.07237; ESP Exome Variant Server 0.07797.
gnomAD v4.1: 135,693 of 1,612,662 alleles (8.4%); highest among the groups gnomAD compares: Middle Eastern, 12%; 6,256 homozygotes.

Submissions (2):

GeneDx
Classification: Benign. Last evaluated: 2018-06-15. Review status: criteria provided, single submitter. Criteria: GeneDx Variant Classification (06012015). Collection method: clinical testing. Allele origin: germline. Affected: yes.
Comment: This variant is considered likely benign or benign based on one or more of the following criteria: it is a conservative change, it occurs at a poorly conserved position in the protein, it is predicted to be benign by multiple in silico algorithms, and/or has population frequency not consistent with disease.

Breakthrough Genomics
Classification: Benign. Review status: criteria provided, single submitter. Criteria: ACMG Guidelines, 2015. Collection method: not provided. Allele origin: germline. Inheritance: Unknown mechanism. Affected: yes.

NM_001080779.2(MYO1C):c.1716+59G>C

Gene: MYO1C (myosin IC; minus strand). Cytogenetic location: 17p13.3.
Variant type: single nucleotide variant.
Coding change: c.1716+59G>C on transcript NM_001080779.2 (MANE Select); 59 bases into the intron after coding-DNA position 1716, G replaced by C.
Molecular consequence: intron variant.
Genome position (GRCh38, 1-based): chr17:1,474,753, C>G on the plus strand (G>C on the coding strand, the complement: MYO1C is on the minus strand). VCF-style: chr17-1474753-C-G. GRCh37 (hg19) VCF-style: chr17-1378047-C-G.
Other names: c.1611+59G>C (NM_033375.5); c.1659+59G>C (NM_001080950.2); c.1644+59G>C (NM_001363855.1).
Identifiers: ClinVar variation 682650 (VCV000682650.2), dbSNP rs2286874, ClinGen allele CA14443012.
Genomic context (GRCh38, chr17:1,474,753, plus strand): 5'-GTGTGGGCAGAGCCGGGGTCAGGGTGGGGCACAGGGACAGGCAGGACAGGCTCCTGGACA[C>G]AGGTGCAGAGCTGTGGGCTATCCCCACCCCCACCCCGGCCTCCCCACGTCCTCCTCACCT-3'